The following is an entry in ClinVar:

ClinVar aggregate classification (germline): Pathogenic/Likely pathogenic. Review status: criteria provided, multiple submitters, no conflicts (2 of 4 stars). 4 submissions from 4 submitters: Pathogenic (3); Likely pathogenic (1). Last evaluated 2026-01-16.

Conditions:
Gaucher disease. Also called: Acute cerebral Gaucher disease; Cerebroside lipidosis syndrome; Gaucher splenomegaly; Sphingolipidosis 1; Glucocerebrosidosis; Glucosylceramidase deficiency. Identifiers: Orphanet 355, MedGen C0017205, MONDO:0018150.

Allele frequency attached by ClinVar (database versions not stated): gnomAD exomes below 0.00001; TOPMed below 0.00001; gnomAD 0.00001.
gnomAD v4.1: 4 of 1,614,028 alleles (0.00025%); highest among the groups gnomAD compares: South Asian, 0.0011%; no homozygotes.

Submissions (4):

Natera, Inc.
Classification: Pathogenic for Gaucher disease. Last evaluated: 2026-01-16. Review status: criteria provided, single submitter. Criteria: Natera Variant Classification Schema (03/2026). Collection method: clinical testing. Allele origin: germline.
Comment: The c.1193G>A variant in GBA1 is a missense variant predicted to cause substitution of arginine to glutamine at amino acid 398. This variant is rare in the general population with a frequency below the threshold expected for the associated phenotype(s). This variant has been observed in one or more individuals affected with the associated recessive disease, as either homozygous or compound heterozygous with a second variant (PMID: 24522292, 34310471, 27865684, 10744424, 8257989, 9554746, 34649574). Computational prediction algorithms indicate this variant is likely to affect gene or protein function. Given the available evidence, this variant is classified as Pathogenic.

CeGaT Center for Human Genetics Tuebingen
Classification: Pathogenic. Last evaluated: 2025-07-01. Review status: criteria provided, single submitter. Criteria: CeGaT Center For Human Genetics Tuebingen Variant Classification Criteria Version 2. Collection method: clinical testing. Allele origin: germline. Affected: yes. Observed: 1 variant allele.
Comment: GBA1: PM3:Strong, PM1, PM2, PM5, PS3:Supporting

Women's Health and Genetics/Laboratory Corporation of America, LabCorp
Classification: Pathogenic for Gaucher disease. Last evaluated: 2023-11-15. Review status: criteria provided, single submitter. Criteria: LabCorp Variant Classification Summary - May 2015. Collection method: clinical testing. Allele origin: germline.
Comment: Variant summary: GBA c.1193G>A (p.Arg398Gln) results in a conservative amino acid change located in the glycosyl hydrolase family 30, TIM-barrel domain (IPR033453) of the encoded protein sequence. Four of five in-silico tools predict a damaging effect of the variant on protein function. The variant was absent in 251386 control chromosomes (gnomAD). c.1193G>A has been reported in the literature in multiple individuals affected with Gaucher Disease (e.g. Kawame_1992, Amaral_2000, Mozafari_2021, Silva Garcia_2021). These data indicate that the variant is very likely to be associated with disease. At least one publication reports experimental evidence evaluating an impact on protein function (Amaral_2000). The most pronounced variant effect results in <10% of wild type enzymatic activity. The following publications have been ascertained in the context of this evaluation (PMID: 10757640, 1487244, 34282371, 34134921). No submitters have cited clinical-significance assessments for this variant to ClinVar after 2014. Based on the evidence outlined above, the variant was classified as pathogenic.

Mayo Clinic Laboratories, Mayo Clinic
Classification: Likely pathogenic. Last evaluated: 2022-12-28. Review status: criteria provided, single submitter. Criteria: ACMG Guidelines, 2015. Collection method: clinical testing. Allele origin: germline. Observed: 1 variant allele.
Comment: PP3, PP4, PM2, PM5, PS4_moderate

Literature cited by the submitters: PubMed 24522292 (cited by Natera, Inc. and Mayo Clinic Laboratories, Mayo Clinic); PubMed 34310471 (cited by Natera, Inc.); PubMed 27865684 (cited by Natera, Inc.); PubMed 10744424 (cited by Natera, Inc.); PubMed 8257989 (cited by Natera, Inc.); PubMed 9554746 (cited by Natera, Inc.); PubMed 34649574 (cited by Natera, Inc.); PubMed 10757640 (cited by Women's Health and Genetics/Laboratory Corporation of America, LabCorp); PubMed 1487244 (cited by Women's Health and Genetics/Laboratory Corporation of America, LabCorp); PubMed 34134921 (cited by Women's Health and Genetics/Laboratory Corporation of America, LabCorp); PubMed 34282371 (cited by Women's Health and Genetics/Laboratory Corporation of America, LabCorp and Mayo Clinic Laboratories, Mayo Clinic); PubMed 17427031 (cited by Mayo Clinic Laboratories, Mayo Clinic); PubMed 27334896 (cited by Mayo Clinic Laboratories, Mayo Clinic); PubMed 29656334 (cited by Mayo Clinic Laboratories, Mayo Clinic); PubMed 33301762 (cited by Mayo Clinic Laboratories, Mayo Clinic); PubMed 34440436 (cited by Mayo Clinic Laboratories, Mayo Clinic); PubMed 7627184 (cited by Mayo Clinic Laboratories, Mayo Clinic); PubMed 8829663 (cited by Mayo Clinic Laboratories, Mayo Clinic).

NM_000157.4(GBA1):c.1193G>A (p.Arg398Gln)

Genes: GBA1 (glucosylceramidase beta 1; minus strand), LOC106627981 (GBA recombination region; plus strand). Cytogenetic location: 1q22.
Variant type: single nucleotide variant.
Coding change: c.1193G>A on transcript NM_000157.4 (MANE Select); coding-DNA position 1193, G replaced by A.
Protein change: p.Arg398Gln; replaces arginine 398 with glutamine.
Molecular consequence: missense variant.
Genome position (GRCh38, 1-based): chr1:155,236,276, C>T on the plus strand (G>A on the coding strand, the complement: GBA1 is on the minus strand). VCF-style: chr1-155236276-C-T. GRCh37 (hg19) VCF-style: chr1-155206067-C-T.
Other names: p.Arg398Gln; c.1193G>A, p.Arg398Gln (NM_001005741.3, NM_001005742.3); c.932G>A, p.Arg311Gln (NM_001171811.2); c.1046G>A, p.Arg349Gln (NM_001171812.2); c.1193G>A (NM_000157.3); short protein forms R311Q, R349Q, R398Q.
Identifiers: ClinVar variation 2682534 (VCV002682534.11), dbSNP rs74979486, ClinGen allele CA30894764.